The following is an entry in ClinVar:

NM_147127.5(EVC2):c.2395del (p.Asp799fs)

Gene: EVC2 (EvC ciliary complex subunit 2; minus strand). Cytogenetic location: 4p16.2.
Variant type: Deletion.
Coding change: c.2395del on transcript NM_147127.5 (MANE Select); coding-DNA position 2395, one base deleted (G; older notation c.2395delG).
Protein change: p.Asp799fs; shifts the reading frame from aspartic acid 799.
Molecular consequence: frameshift variant.
Genome position (GRCh38, 1-based): chr4:5,622,643, C deleted on the plus strand (G on the coding strand, the reverse complement: EVC2 is on the minus strand); the first of 3 consecutive C bases (chr4:5,622,643-5,622,645); deleting any one gives the same sequence. VCF-style (leftmost placement, unchanged base first): chr4-5622642-TC-T. GRCh37 (hg19) VCF-style: chr4-5624369-TC-T.
Other names: c.2155del, p.Asp719fs (NM_001166136.2); short protein forms D719fs, D799fs.
Identifiers: ClinVar variation 5013003 (VCV005013003.1).

ClinVar aggregate classification (germline): Pathogenic (1 of 4 stars; one submission).

Conditions:
Ellis-van Creveld syndrome (EVC). Also called: MESOECTODERMAL DYSPLASIA; Chondroectodermal dysplasia. Identifiers: Orphanet 289, MedGen C0013903, MONDO:0009162, OMIM 225500.

Submission:

Myriad Genetics, Inc.
Classification: Pathogenic for Ellis-van Creveld syndrome. Last evaluated: 2024-05-03. Review status: criteria provided, single submitter. Criteria: Myriad Autosomal Dominant, Autosomal Recessive and X-Linked Classification Criteria (2023). Collection method: clinical testing. Allele origin: unknown.
Comment: NM_147127.4(EVC2):c.2395delG(D799Tfs*8) is expected to be pathogenic in the context of EVC2-related Ellis-van Creveld syndrome. This variant is predicted to lead to an abnormal or absent protein product due to the creation of a premature termination codon in EVC2, a gene where loss-of-function variants are known to be pathogenic. Please note: this variant was assessed in the context of healthy population screening.